The following is an entry in ClinVar:

ClinVar aggregate classification (germline): Likely pathogenic (1 of 4 stars; one submission).

Conditions:
Hereditary insensitivity to pain with anhidrosis (CIPA). Also called: NEUROPATHY, CONGENITAL SENSORY, WITH ANHIDROSIS; INSENSITIVITY TO PAIN, CONGENITAL, WITH ANHIDROSIS; HSAN Type IV; FAMILIAL DYSAUTONOMIA, TYPE II; hereditary sensory and autonomic neuropathy type 4; NTRK1 Congenital Insensitivity to Pain with Anhidrosis. Identifiers: Orphanet 642, MedGen C0020074, MONDO:0009746, OMIM 256800.

Submission:

Centre for Medical Genetics,  Mumbai
Classification: Likely pathogenic for Hereditary insensitivity to pain with anhidrosis. Last evaluated: 2025-12-12. Review status: criteria provided, single submitter. Criteria: ACMG Guidelines, 2015. Collection method: provider interpretation. Allele origin: germline. Inheritance: Autosomal recessive inheritance. Affected: yes. Observed: 1 homozygote.
Comment: The variant satisfies PM1 criteria: is a non-truncating non-synonymous variant (p.Ser698Asn) is located in a mutational hot spot and/or critical and well-established functional domain (5 pathogenic or likely pathogenic reported variants were found in a 57bp region surrounding this variant in exon 16 within the region 156879998-156880055 without any missense benign variants). The variant satisfies PM2 criteria: Extremely low frequency in gnomAD population databases (absent in gnomAD). The variant satisfies PM5 criteria (Different amino acid change p.Ser698Arg as a known pathogenic variant, Clinvar Accession ID: VCV001216987.3). The variant satisfies PP3 criteria (For a missense or a splicing region variant, computational prediction tools unanimously support a deleterious effect on the gene ).

Literature cited by the submitters: PubMed 12949319.

NM_002529.4(NTRK1):c.2093G>A (p.Ser698Asn)

Gene: NTRK1 (neurotrophic receptor tyrosine kinase 1; plus strand). Cytogenetic location: 1q23.1.
Variant type: single nucleotide variant.
Coding change: c.2093G>A on transcript NM_002529.4 (MANE Select); coding-DNA position 2093, G replaced by A.
Protein change: p.Ser698Asn; replaces serine 698 with asparagine.
Molecular consequence: missense variant.
Genome position (GRCh38, 1-based): chr1:156,880,045, G>A. VCF-style: chr1-156880045-G-A. GRCh37 (hg19) VCF-style: chr1-156849837-G-A.
Other names: c.1985G>A, p.Ser662Asn (NM_001007792.1); c.2075G>A, p.Ser692Asn (NM_001012331.2); short protein forms S662N, S692N, S698N.
Identifiers: ClinVar variation 4538476 (VCV004538476.1).